The following is an entry in ClinVar:

ClinVar aggregate classification (germline): Uncertain significance (1 of 4 stars; one submission).

Conditions:
Hyperkalemic periodic paralysis. Also called: Familial hyperkalemic periodic paralysis; Gamstorp disease. Identifiers: Orphanet 682, MedGen C0238357, MONDO:0008224, OMIM 170500, HP:0007215.

Submission:

Labcorp Genetics (formerly Invitae), Labcorp
Classification: Uncertain significance for Hyperkalemic Periodic Paralysis Type 1. Last evaluated: 2019-11-12. Review status: criteria provided, single submitter. Criteria: Invitae Variant Classification Sherloc (09022015). Collection method: clinical testing. Allele origin: germline.
Comment: This sequence change replaces aspartic acid with glycine at codon 942 of the SCN4A protein (p.Asp942Gly). The aspartic acid residue is highly conserved and there is a moderate physicochemical difference between aspartic acid and glycine. This variant is not present in population databases (ExAC no frequency). This variant has not been reported in the literature in individuals with SCN4A-related conditions. Algorithms developed to predict the effect of missense changes on protein structure and function are either unavailable or do not agree on the potential impact of this missense change (SIFT: "Deleterious"; PolyPhen-2: "Benign"; Align-GVGD: "Class C0"). In summary, the available evidence is currently insufficient to determine the role of this variant in disease. Therefore, it has been classified as a Variant of Uncertain Significance.

NM_000334.4(SCN4A):c.2825A>G (p.Asp942Gly)

Genes: SCN4A (sodium voltage-gated channel alpha subunit 4; minus strand), GH-LCR (growth hormone locus control region; plus strand). Cytogenetic location: 17q23.3.
Variant type: single nucleotide variant.
Coding change: c.2825A>G on transcript NM_000334.4 (MANE Select); coding-DNA position 2825, A replaced by G.
Protein change: p.Asp942Gly; replaces aspartic acid 942 with glycine.
Molecular consequence: missense variant.
Genome position (GRCh38, 1-based): chr17:63,951,452, T>C on the plus strand (A>G on the coding strand, the complement: SCN4A is on the minus strand). VCF-style: chr17-63951452-T-C. GRCh37 (hg19) VCF-style: chr17-62028812-T-C.
Other names: short protein forms D942G.
Identifiers: ClinVar variation 856205 (VCV000856205.1), dbSNP rs1908902761, ClinGen allele CA400624630.